The following is an entry in ClinVar:

ClinVar aggregate classification (germline): Uncertain significance (1 of 4 stars; one submission).

Conditions:
Cardiovascular phenotype. Identifiers: MedGen CN230736.
Hereditary cancer-predisposing syndrome. Also called: Neoplastic Syndromes, Hereditary; Tumor predisposition; Hereditary Cancer Syndrome; Hereditary neoplastic syndrome. Identifiers: Orphanet 140162, MedGen C0027672, MeSH D009386, MONDO:0015356.

Submission:

Ambry Genetics
Classification: Uncertain significance for Cardiovascular phenotype; Hereditary cancer-predisposing syndrome. Last evaluated: 2022-09-12. Review status: criteria provided, single submitter. Criteria: Ambry Variant Classification Scheme 2023. Collection method: clinical testing. Allele origin: germline.
Comment: The p.C229Y variant (also known as c.686G>A), located in coding exon 8 of the LZTR1 gene, results from a G to A substitution at nucleotide position 686. The cysteine at codon 229 is replaced by tyrosine, an amino acid with highly dissimilar properties. This amino acid position is highly conserved in available vertebrate species. In addition, the in silico prediction for this alteration is inconclusive. Since supporting evidence is limited at this time, the clinical significance of this alteration remains unclear.

NM_006767.4(LZTR1):c.686G>A (p.Cys229Tyr)

Gene: LZTR1 (leucine zipper like post translational regulator 1; plus strand). Cytogenetic location: 22q11.21.
Variant type: single nucleotide variant.
Coding change: c.686G>A on transcript NM_006767.4 (MANE Select); coding-DNA position 686, G replaced by A.
Protein change: p.Cys229Tyr; replaces cysteine 229 with tyrosine.
Molecular consequence: missense variant.
Genome position (GRCh38, 1-based): chr22:20,990,420, G>A. VCF-style: chr22-20990420-G-A. GRCh37 (hg19) VCF-style: chr22-21344709-G-A.
Other names: short protein forms C229Y.
Identifiers: ClinVar variation 1755883 (VCV001755883.2), dbSNP rs2147964025, ClinGen allele CA410780479.